The following is an entry in ClinVar:

NM_001206744.2(TPO):c.391T>C (p.Ser131Pro)

Gene: TPO (thyroid peroxidase; plus strand). Cytogenetic location: 2p25.3.
Variant type: single nucleotide variant.
Coding change: c.391T>C on transcript NM_001206744.2 (MANE Select); coding-DNA position 391, T replaced by C.
Protein change: p.Ser131Pro; replaces serine 131 with proline.
Molecular consequence: missense variant.
Genome position (GRCh38, 1-based): chr2:1,436,293, T>C. VCF-style: chr2-1436293-T-C. GRCh37 (hg19) VCF-style: chr2-1440065-T-C.
Other names: c.391T>C, p.Ser131Pro (NM_000547.6, NM_001206745.2, NM_175719.4 and 2 more transcripts); short protein forms S131P.
Identifiers: ClinVar variation 1065534 (VCV001065534.1), dbSNP rs201800220, ClinGen allele CA1511411.

ClinVar aggregate classification (germline): Likely pathogenic (1 of 4 stars; one submission).

Conditions:
Deficiency of iodide peroxidase (TDH2A). Also called: Thyroid dyshormonogenesis 2A; HYPOTHYROIDISM, CONGENITAL, DUE TO DYSHORMONOGENESIS, 2A; IODIDE PEROXIDASE DEFICIENCY; THYROID HORMONOGENESIS, GENETIC DEFECT IN, 2A; THYROID PEROXIDASE DEFICIENCY. Identifiers: Orphanet 95716, MedGen C1291299, MONDO:0010133, OMIM 274500.

Allele frequency attached by ClinVar (database versions not stated): gnomAD 0.00001; gnomAD exomes 0.00001 and 0.00004; TOPMed 0.00002; ExAC 0.00006; ESP Exome Variant Server 0.00008.
gnomAD v4.1: 23 of 1,614,098 alleles (0.0014%); no homozygotes.

Submission:

NxGen MDx
Classification: Likely pathogenic for Deficiency of iodide peroxidase. Last evaluated: 2019-12-30. Review status: criteria provided, single submitter. Criteria: ACMG Guidelines, 2015. Collection method: clinical testing. Allele origin: unknown.
Comment: This missense variant (c.391T>C) is likely to disrupt the potential glycosylation site at N129 as it alters the primary chain two residues downstream (p.Ser131Pro). GnomAD exomes finds this variant to have low allele frequency (PM2). Computational models indicate pathogenic predictions (PP3). This variant was first reported by Rodrigues et al., PMID 15745925 in a congenital hypothyroidism patient with c.2422del on the second allele. It was later reported in an additional compound heterozygote with multinodular goiter by Makretskaya et al., PMID 30240412. We interpret c.391T>C to be likely pathogenic.

Literature cited by the submitters: PubMed 15745925; PubMed 30240412.